The following is an entry in ClinVar:

NM_006767.4(LZTR1):c.317G>A (p.Cys106Tyr)

Gene: LZTR1 (leucine zipper like post translational regulator 1; plus strand). Cytogenetic location: 22q11.21.
Variant type: single nucleotide variant.
Coding change: c.317G>A on transcript NM_006767.4 (MANE Select); coding-DNA position 317, G replaced by A.
Protein change: p.Cys106Tyr; replaces cysteine 106 with tyrosine.
Molecular consequence: missense variant.
Genome position (GRCh38, 1-based): chr22:20,985,894, G>A. VCF-style: chr22-20985894-G-A. GRCh37 (hg19) VCF-style: chr22-21340183-G-A.
Other names: short protein forms C106Y.
Identifiers: ClinVar variation 1728518 (VCV001728518.4), dbSNP rs2518610685, ClinGen allele CA410778905.

ClinVar aggregate classification (germline): Uncertain significance. Review status: criteria provided, multiple submitters, no conflicts (2 of 4 stars). 2 submissions from 2 submitters: Uncertain significance (2). Last evaluated 2024-02-02.

Conditions:
Cardiovascular phenotype. Identifiers: MedGen CN230736.
Hereditary cancer-predisposing syndrome. Also called: Tumor predisposition; Neoplastic Syndromes, Hereditary; Hereditary Cancer Syndrome; Hereditary neoplastic syndrome. Identifiers: Orphanet 140162, MedGen C0027672, MeSH D009386, MONDO:0015356.

Submissions (2):

Labcorp Genetics (formerly Invitae), Labcorp
Classification: Uncertain significance. Last evaluated: 2024-02-02. Review status: criteria provided, single submitter. Criteria: Invitae Variant Classification Sherloc (09022015). Collection method: clinical testing. Allele origin: germline.
Comment: This sequence change replaces cysteine, which is neutral and slightly polar, with tyrosine, which is neutral and polar, at codon 106 of the LZTR1 protein (p.Cys106Tyr). This variant is not present in population databases (gnomAD no frequency). This variant has not been reported in the literature in individuals affected with LZTR1-related conditions. ClinVar contains an entry for this variant (Variation ID: 1728518). Advanced modeling of protein sequence and biophysical properties (such as structural, functional, and spatial information, amino acid conservation, physicochemical variation, residue mobility, and thermodynamic stability) performed at Invitae indicates that this missense variant is not expected to disrupt LZTR1 protein function with a negative predictive value of 80%. In summary, the available evidence is currently insufficient to determine the role of this variant in disease. Therefore, it has been classified as a Variant of Uncertain Significance.

Ambry Genetics
Classification: Uncertain significance for Cardiovascular phenotype; Hereditary cancer-predisposing syndrome. Last evaluated: 2022-02-12. Review status: criteria provided, single submitter. Criteria: Ambry Variant Classification Scheme 2023. Collection method: clinical testing. Allele origin: germline.
Comment: The p.C106Y variant (also known as c.317G>A), located in coding exon 3 of the LZTR1 gene, results from a G to A substitution at nucleotide position 317. The cysteine at codon 106 is replaced by tyrosine, an amino acid with highly dissimilar properties. This amino acid position is conserved. In addition, the in silico prediction for this alteration is inconclusive. Since supporting evidence is limited at this time, the clinical significance of this alteration remains unclear.